The following is an entry in ClinVar:

ClinVar aggregate classification (germline): Uncertain significance. Review status: criteria provided, multiple submitters, no conflicts (2 of 4 stars). 2 submissions from 2 submitters: Uncertain significance (2). Last evaluated 2023-10-13.

Conditions:
Hereditary cancer-predisposing syndrome. Also called: Hereditary neoplastic syndrome; Neoplastic Syndromes, Hereditary; Hereditary Cancer Syndrome; Tumor predisposition. Identifiers: Orphanet 140162, MedGen C0027672, MeSH D009386, MONDO:0015356.
Familial cancer of breast. Also called: Hereditary breast cancer; BREAST CANCER, FAMILIAL; hereditary breast carcinoma. Identifiers: Orphanet 227535, MedGen C0346153, MONDO:0016419, OMIM 114480. Disease mechanism: loss of function.

Submissions (2):

Ambry Genetics
Classification: Uncertain significance for Hereditary cancer-predisposing syndrome. Last evaluated: 2023-10-13. Review status: criteria provided, single submitter. Criteria: Ambry Variant Classification Scheme 2023. Collection method: clinical testing. Allele origin: germline.
Comment: The p.Q613R variant (also known as c.1838A>G), located in coding exon 5 of the PALB2 gene, results from an A to G substitution at nucleotide position 1838. The glutamine at codon 613 is replaced by arginine, an amino acid with highly similar properties. This amino acid position is conserved. In addition, this alteration is predicted to be tolerated by in silico analysis. Since supporting evidence is limited at this time, the clinical significance of this alteration remains unclear.

Labcorp Genetics (formerly Invitae), Labcorp
Classification: Uncertain significance for Familial cancer of breast. Last evaluated: 2022-11-07. Review status: criteria provided, single submitter. Criteria: Invitae Variant Classification Sherloc (09022015). Collection method: clinical testing. Allele origin: germline.
Comment: In summary, the available evidence is currently insufficient to determine the role of this variant in disease. Therefore, it has been classified as a Variant of Uncertain Significance. Advanced modeling of protein sequence and biophysical properties (such as structural, functional, and spatial information, amino acid conservation, physicochemical variation, residue mobility, and thermodynamic stability) has been performed at Invitae for this missense variant, however the output from this modeling did not meet the statistical confidence thresholds required to predict the impact of this variant on PALB2 protein function. ClinVar contains an entry for this variant (Variation ID: 968519). This variant has not been reported in the literature in individuals affected with PALB2-related conditions. This variant is not present in population databases (gnomAD no frequency). This sequence change replaces glutamine, which is neutral and polar, with arginine, which is basic and polar, at codon 613 of the PALB2 protein (p.Gln613Arg).

NM_024675.4(PALB2):c.1838A>G (p.Gln613Arg)

Gene: PALB2 (partner and localizer of BRCA2; minus strand). Cytogenetic location: 16p12.2.
Variant type: single nucleotide variant.
Coding change: c.1838A>G on transcript NM_024675.4 (MANE Select); coding-DNA position 1838, A replaced by G.
Protein change: p.Gln613Arg; replaces glutamine 613 with arginine.
Molecular consequence: missense variant.
Genome position (GRCh38, 1-based): chr16:23,630,316, T>C on the plus strand (A>G on the coding strand, the complement: PALB2 is on the minus strand). VCF-style: chr16-23630316-T-C. GRCh37 (hg19) VCF-style: chr16-23641637-T-C.
Other names: short protein forms Q613R.
Identifiers: ClinVar variation 968519 (VCV000968519.11), dbSNP rs1966865170, ClinGen allele CA395127869.